The following is an entry in ClinVar:

ClinVar aggregate classification (germline): Benign/Likely benign. Review status: criteria provided, multiple submitters, no conflicts (2 of 4 stars). 2 submissions from 2 submitters: Benign (1); Likely benign (1). Last evaluated 2025-06-22.

Conditions:
Severe X-linked myotubular myopathy (CNMX). Also called: X-linked centronuclear myopathy; Myotubular myopathy, X-linked; MYOTUBULAR MYOPATHY 1. Identifiers: Orphanet 596, MedGen C0410203, MONDO:0010683, OMIM 310400.

Allele frequency attached by ClinVar (database versions not stated): gnomAD 0.00001; TOPMed 0.00003; ExAC 0.00008; gnomAD exomes 0.00011 and 0.00012.
gnomAD v4.1: 143 of 1,208,769 alleles (0.012%); highest among the groups gnomAD compares: Non-Finnish European, 0.015%; 1 homozygote.

Submissions (2):

Labcorp Genetics (formerly Invitae), Labcorp
Classification: Benign for Severe X-linked myotubular myopathy. Last evaluated: 2025-06-22. Review status: criteria provided, single submitter. Criteria: Invitae Variant Classification Sherloc (09022015). Collection method: clinical testing. Allele origin: germline.

GeneDx
Classification: Likely benign. Last evaluated: 2017-08-18. Review status: criteria provided, single submitter. Criteria: GeneDx Variant Classification (06012015). Collection method: clinical testing. Allele origin: germline. Affected: yes.
Comment: This variant is considered likely benign or benign based on one or more of the following criteria: it is a conservative change, it occurs at a poorly conserved position in the protein, it is predicted to be benign by multiple in silico algorithms, and/or has population frequency not consistent with disease.

NM_000252.3(MTM1):c.1468-10C>T

Gene: MTM1 (myotubularin 1; plus strand). Cytogenetic location: Xq28.
Variant type: single nucleotide variant.
Coding change: c.1468-10C>T on transcript NM_000252.3 (MANE Select); 10 bases into the intron before coding-DNA position 1468, C replaced by T.
Molecular consequence: intron variant.
Genome position (GRCh38, 1-based): chrX:150,663,423, C>T. VCF-style: chrX-150663423-C-T. GRCh37 (hg19) VCF-style: chrX-149831896-C-T.
Other names: c.1468-10C>T (NM_001376908.1, NM_001376906.1); c.1357-10C>T (NM_001376907.1).
Identifiers: ClinVar variation 511442 (VCV000511442.12), dbSNP rs782174623, ClinGen allele CA10539286.